The following is an entry in ClinVar:

ClinVar aggregate classification (germline): Pathogenic/Likely pathogenic. Review status: criteria provided, multiple submitters, no conflicts (2 of 4 stars). 2 submissions from 2 submitters: Pathogenic (1); Likely pathogenic (1). Last evaluated 2026-01-27.

Conditions:
Sotos syndrome (SOTOS). Also called: Distinctive facial appearance, overgrowth in childhood, and learning disabilities or delayed development; CEREBRAL GIGANTISM; Sotos' syndrome; CHROMOSOME 5q35 DELETION SYNDROME; SOTOS SYNDROME 1. Identifiers: Orphanet 821, MedGen C0175695, MONDO:0019349, OMIM 117550.

Submissions (2):

GeneDx
Classification: Likely pathogenic. Last evaluated: 2026-01-27. Review status: criteria provided, single submitter. Criteria: GeneDx Variant Classification Process June 2021. Collection method: clinical testing. Allele origin: germline.
Comment: Reported in a patient with macrocephaly, autistic behavior, speech delay and coarse facial features in the published literature; this variant was reportedly inherited from an unaffected father (PMID: 33149276); Not observed at significant frequency in large population cohorts (gnomAD); In silico analysis suggests that this missense variant does not alter protein structure/function; This variant is associated with the following publications: (PMID: 33386779, 33855700, Cetin2025[Abstract], 33149276)

Genetic Services Laboratory, University of Chicago
Classification: Pathogenic for Sotos syndrome 1. Last evaluated: 2013-02-08. Review status: criteria provided, single submitter. Criteria: ACMG Guidelines, 2007. Collection method: clinical testing. Allele origin: germline. Inheritance: Autosomal dominant inheritance. Affected: yes.

NM_022455.5(NSD1):c.6656G>A (p.Arg2219His)

Gene: NSD1 (nuclear receptor binding SET domain protein 1; plus strand). Cytogenetic location: 5q35.3.
Variant type: single nucleotide variant.
Coding change: c.6656G>A on transcript NM_022455.5 (MANE Select); coding-DNA position 6656, G replaced by A.
Protein change: p.Arg2219His; replaces arginine 2219 with histidine.
Molecular consequence: missense variant.
Genome position (GRCh38, 1-based): chr5:177,294,024, G>A. VCF-style: chr5-177294024-G-A. GRCh37 (hg19) VCF-style: chr5-176721025-G-A.
Other names: c.5894G>A, p.Arg1965His (NM_001409307.1, NM_001409306.1); c.5783G>A, p.Arg1928His (NM_001409308.1, NM_001365684.2, NM_172349.5); c.6656G>A, p.Arg2219His (NM_001409301.1, NM_001409302.1, NM_001409303.1); c.6236G>A, p.Arg2079His (NM_001409304.1); c.5903G>A, p.Arg1968His (NM_001409305.1); c.5534G>A, p.Arg1845His (NM_001409309.1); short protein forms R2219H, R1950H, R1928H, R1965H, R1968H, R2079H, R1845H.
Identifiers: ClinVar variation 159436 (VCV000159436.8), dbSNP rs587784214, ClinGen allele CA295117.